The following is an entry in ClinVar:

ClinVar aggregate classification (germline): Pathogenic (1 of 4 stars; one submission).

Conditions:
Hereditary spastic paraplegia 3A (SPG3A). Also called: SPASTIC PARAPLEGIA 3, AUTOSOMAL DOMINANT; FAMILIAL SPASTIC PARAPLEGIA, AUTOSOMAL DOMINANT, 1; SPG3; STRUMPELL DISEASE; Spastic Paraplegia 3A; Spastic paraplegia 3A, autosomal dominant. Identifiers: Orphanet 100984, MedGen C2931355, MONDO:0008437, OMIM 182600.

Submission:

Labcorp Genetics (formerly Invitae), Labcorp
Classification: Pathogenic for Hereditary spastic paraplegia 3A. Last evaluated: 2019-10-31. Review status: criteria provided, single submitter. Criteria: Invitae Variant Classification Sherloc (09022015). Collection method: clinical testing. Allele origin: germline.
Comment: For these reasons, this variant has been classified as Pathogenic. Loss-of-function variants in ATL1 are known to be pathogenic (PMID: 26888483). This variant has not been reported in the literature in individuals with ATL1-related conditions. A gross deletion of the genomic region encompassing the full coding sequence of the ATL1 gene has been identified. The boundaries of this event are unknown as the deletion extends beyond the assayed region for this gene and therefore may encompass additional genes.

Literature cited by the submitters: PubMed 26888483.

NC_000014.9:g.(?_50560256)_(50632349_?)del

Gene: ATL1 (atlastin GTPase 1; plus strand). Cytogenetic location: 14q22.1.
Variant type: Deletion.
Identifiers: ClinVar variation 831440 (VCV000831440.7).